The following is an entry in ClinVar:

ClinVar aggregate classification (germline): Conflicting classifications of pathogenicity. Review status: criteria provided, conflicting classifications (1 of 4 stars). 5 submissions from 5 submitters: Uncertain significance (1); Likely benign (4). Last evaluated 2026-06-22.

Conditions:
Retinoblastoma (RB1). Also called: RETINOBLASTOMA, SOMATIC. Identifiers: Orphanet 790, MedGen C0035335, MeSH D012175, MONDO:0008380, OMIM 180200, HP:0009919. Disease mechanism: loss of function. Inheritance: Both sporadic and heritable forms are tested..
Hereditary cancer-predisposing syndrome. Also called: Neoplastic Syndromes, Hereditary; Hereditary Cancer Syndrome; Hereditary neoplastic syndrome; Tumor predisposition. Identifiers: Orphanet 140162, MedGen C0027672, MeSH D009386, MONDO:0015356.

Allele frequency attached by ClinVar (database versions not stated): TOPMed below 0.00001; gnomAD 0.00001; gnomAD exomes 0.00001 and 0.00002; ExAC 0.00001.
gnomAD v4.1: 18 of 1,613,078 alleles (0.0011%); highest among the groups gnomAD compares: Non-Finnish European, 0.0014%; no homozygotes.

Submissions (5):

Myriad Genetics, Inc.
Classification: Likely benign for Retinoblastoma. Last evaluated: 2026-06-22. Review status: criteria provided, single submitter. Criteria: Myriad Autosomal Dominant, Autosomal Recessive and X-Linked Classification Criteria (2023). Collection method: clinical testing. Allele origin: unknown.
Comment: This variant is considered likely benign. This variant has been observed at a population frequency that is significantly greater than expected given the associated disease prevalence and penetrance.

Labcorp Genetics (formerly Invitae), Labcorp
Classification: Likely benign for Retinoblastoma. Last evaluated: 2025-12-03. Review status: criteria provided, single submitter. Criteria: Invitae Variant Classification Sherloc (09022015). Collection method: clinical testing. Allele origin: germline.

GeneDx
Classification: Uncertain significance. Last evaluated: 2024-01-22. Review status: criteria provided, single submitter. Criteria: GeneDx Variant Classification Process June 2021. Collection method: clinical testing. Allele origin: germline. Affected: yes.
Comment: In silico analysis supports that this missense variant does not alter protein structure/function; Has not been previously published as pathogenic or benign to our knowledge; This variant is associated with the following publications: (PMID: 23516486)

Color Diagnostics, LLC DBA Color Health
Classification: Likely benign for Retinoblastoma. Last evaluated: 2023-08-18. Review status: criteria provided, single submitter. Criteria: ACMG Guidelines, 2015. Collection method: clinical testing. Allele origin: germline.

Ambry Genetics
Classification: Likely benign for Hereditary cancer-predisposing syndrome. Last evaluated: 2021-11-15. Review status: criteria provided, single submitter. Criteria: Ambry Variant Classification Scheme 2023. Collection method: clinical testing. Allele origin: germline.

NM_000321.3(RB1):c.2726C>A (p.Thr909Lys)

Gene: RB1 (RB transcriptional corepressor 1; plus strand). Cytogenetic location: 13q14.2.
Variant type: single nucleotide variant.
Coding change: c.2726C>A on transcript NM_000321.3 (MANE Select); coding-DNA position 2726, C replaced by A.
Protein change: p.Thr909Lys; replaces threonine 909 with lysine.
Molecular consequence: missense variant.
Genome position (GRCh38, 1-based): chr13:48,480,010, C>A. VCF-style: chr13-48480010-C-A. GRCh37 (hg19) VCF-style: chr13-49054146-C-A.
Other names: short protein forms T909K.
Identifiers: ClinVar variation 527914 (VCV000527914.18), dbSNP rs761999108, ClinGen allele CA037358.